The following is an entry in ClinVar:

NM_020822.3(KCNT1):c.3149C>T (p.Thr1050Ile)

Gene: KCNT1 (potassium sodium-activated channel subfamily T member 1; plus strand). Cytogenetic location: 9q34.3.
Variant type: single nucleotide variant.
Coding change: c.3149C>T on transcript NM_020822.3 (MANE Select); coding-DNA position 3149, C replaced by T.
Protein change: p.Thr1050Ile; replaces threonine 1050 with isoleucine.
Molecular consequence: missense variant.
Genome position (GRCh38, 1-based): chr9:135,784,882, C>T. VCF-style: chr9-135784882-C-T. GRCh37 (hg19) VCF-style: chr9-138676728-C-T.
Other names: c.3014C>T, p.Thr1005Ile (NM_001272003.2); short protein forms T1005I, T1050I.
Identifiers: ClinVar variation 989244 (VCV000989244.16), dbSNP rs1313669242, ClinGen allele CA375518290.

ClinVar aggregate classification (germline): Uncertain significance. Review status: criteria provided, multiple submitters, no conflicts (2 of 4 stars). 6 submissions from 5 submitters: Uncertain significance (6). Last evaluated 2025-07-23.

Conditions:
Autosomal dominant nocturnal frontal lobe epilepsy 5. Also called: Epilepsy, nocturnal frontal lobe, 5; CILIARY DYSKINESIA, PRIMARY, 28, WITH SITUS INVERSUS; KCNT1-Related Epilepsy; CILIARY DYSKINESIA, PRIMARY, 28, WITHOUT SITUS INVERSUS. Identifiers: Orphanet 98784, MedGen C3554306, MONDO:0014002, OMIM 615005.
Developmental and epileptic encephalopathy, 14 (DEE14). Also called: Early infantile epileptic encephalopathy 14. Identifiers: Orphanet 293181, MedGen C3554195, MONDO:0013989, OMIM 614959.
Inborn genetic diseases. Identifiers: MedGen C0950123, MeSH D030342.

Allele frequency attached by ClinVar (database versions not stated): gnomAD exomes below 0.00001 and 0.00001; TOPMed 0.00001; gnomAD 0.00003.
gnomAD v4.1: 7 of 1,612,280 alleles (0.00043%); highest among the groups gnomAD compares: African/African-American, 0.0013%; no homozygotes.

Submissions (6):

Labcorp Genetics (formerly Invitae), Labcorp
Classification: Uncertain significance for Autosomal dominant nocturnal frontal lobe epilepsy 5; Developmental and epileptic encephalopathy, 14. Last evaluated: 2025-07-23. Review status: criteria provided, single submitter. Criteria: Invitae Variant Classification Sherloc (09022015). Collection method: clinical testing. Allele origin: germline.
Comment: This sequence change replaces threonine, which is neutral and polar, with isoleucine, which is neutral and non-polar, at codon 1050 of the KCNT1 protein (p.Thr1050Ile). This variant is present in population databases (no rsID available, gnomAD 0.0009%). This variant has not been reported in the literature in individuals affected with KCNT1-related conditions. ClinVar contains an entry for this variant (Variation ID: 989244). Invitae Evidence Modeling of protein sequence and biophysical properties (such as structural, functional, and spatial information, amino acid conservation, physicochemical variation, residue mobility, and thermodynamic stability) indicates that this missense variant is not expected to disrupt KCNT1 protein function with a negative predictive value of 80%. In summary, the available evidence is currently insufficient to determine the role of this variant in disease. Therefore, it has been classified as a Variant of Uncertain Significance.

Genome-Nilou Lab
Classification: Uncertain significance for Developmental and epileptic encephalopathy, 14. Last evaluated: 2022-03-15. Review status: criteria provided, single submitter. Criteria: ACMG Guidelines, 2015. Collection method: clinical testing. Allele origin: germline. Affected: no.

Genome-Nilou Lab
Classification: Uncertain significance for Autosomal dominant nocturnal frontal lobe epilepsy 5. Last evaluated: 2022-03-15. Review status: criteria provided, single submitter. Criteria: ACMG Guidelines, 2015. Collection method: clinical testing. Allele origin: germline. Affected: no.

GeneDx
Classification: Uncertain significance. Last evaluated: 2019-09-12. Review status: criteria provided, single submitter. Criteria: GeneDx Variant Classification Process June 2021. Collection method: clinical testing. Allele origin: germline. Affected: yes.
Comment: In silico analysis, which includes protein predictors and evolutionary conservation, supports that this variant does not alter protein structure/function; Has not been previously published as pathogenic or benign to our knowledge

Illumina Laboratory Services, Illumina
Classification: Uncertain significance for KCNT1-related epilepsy. Last evaluated: 2019-06-17. Review status: criteria provided, single submitter. Criteria: ICSLVariantClassificationCriteria RUGD 01 April 2020. Collection method: clinical testing. Allele origin: unknown.
Comment: The KCNT1 c.3149C>T (p.Thr1050Ile) variant is a missense variant. A literature search was performed for the gene, cDNA change, and amino acid change. No publications were found based on this search. The p.Thr1050Ile variant is reported at a frequency of 0.000009 in the European (Non-Finnish) population of the Genome Aggregation Database though this is based on one allele in a region of good sequence coverage so the variant is presumed to be rare. Based on the limited evidence, the p.Thr1050Ile variant is classified as a variant of uncertain significance for KCNT1-realted epilepsy.

Ambry Genetics
Classification: Uncertain significance for Inborn genetic diseases. Last evaluated: 2017-07-31. Review status: criteria provided, single submitter. Criteria: Ambry Variant Classification Scheme 2023. Collection method: clinical testing. Allele origin: germline.
Comment: The p.T1050I variant (also known as c.3149C>T), located in coding exon 27 of the KCNT1 gene, results from a C to T substitution at nucleotide position 3149. The threonine at codon 1050 is replaced by isoleucine, an amino acid with similar properties. This amino acid position is not well conserved in available vertebrate species. In addition, this alteration is predicted to be tolerated by in silico analysis. Since supporting evidence is limited at this time, the clinical significance of this alteration remains unclear.